The following is an entry in ClinVar:

NM_006231.4(POLE):c.2807C>G (p.Pro936Arg)

Gene: POLE (DNA polymerase epsilon, catalytic subunit; minus strand). Cytogenetic location: 12q24.33.
Variant type: single nucleotide variant.
Coding change: c.2807C>G on transcript NM_006231.4 (MANE Select); coding-DNA position 2807, C replaced by G.
Protein change: p.Pro936Arg; replaces proline 936 with arginine.
Molecular consequence: missense variant.
Genome position (GRCh38, 1-based): chr12:132,661,584, G>C on the plus strand (C>G on the coding strand, the complement: POLE is on the minus strand). VCF-style: chr12-132661584-G-C. GRCh37 (hg19) VCF-style: chr12-133238170-G-C.
Other names: short protein forms P936R.
Identifiers: ClinVar variation 2187254 (VCV002187254.4), dbSNP rs1192125579, ClinGen allele CA387393725.

ClinVar aggregate classification (germline): Uncertain significance (1 of 4 stars; one submission).

Submission:

Labcorp Genetics (formerly Invitae), Labcorp
Classification: Uncertain significance. Last evaluated: 2022-10-12. Review status: criteria provided, single submitter. Criteria: Invitae Variant Classification Sherloc (09022015). Collection method: clinical testing. Allele origin: germline.
Comment: In summary, the available evidence is currently insufficient to determine the role of this variant in disease. Therefore, it has been classified as a Variant of Uncertain Significance. Advanced modeling of protein sequence and biophysical properties (such as structural, functional, and spatial information, amino acid conservation, physicochemical variation, residue mobility, and thermodynamic stability) performed at Invitae indicates that this missense variant is expected to disrupt POLE protein function. This variant has not been reported in the literature in individuals affected with POLE-related conditions. This variant is not present in population databases (gnomAD no frequency). This sequence change replaces proline, which is neutral and non-polar, with arginine, which is basic and polar, at codon 936 of the POLE protein (p.Pro936Arg).